The following is an entry in ClinVar:

NM_000322.5(PRPH2):c.707dup (p.Tyr236Ter)

Gene: PRPH2 (peripherin 2; minus strand). Cytogenetic location: 6p21.1.
Variant type: Duplication.
Coding change: c.707dup on transcript NM_000322.5 (MANE Select); coding-DNA position 707, one base duplicated (A; older notation c.707dupA).
Protein change: p.Tyr236Ter; replaces tyrosine 236 with a stop codon.
Molecular consequence: nonsense.
Genome position (GRCh38, 1-based): chr6:42,704,486, T duplicated on the plus strand (A on the coding strand, the reverse complement: PRPH2 is on the minus strand). VCF-style (leftmost placement, unchanged base first): chr6-42704485-G-GT. GRCh37 (hg19) VCF-style: chr6-42672223-G-GT.
Other names: c.707dupA (NM_000322.4); short protein forms Y236*.
Identifiers: ClinVar variation 816994 (VCV000816994.3), dbSNP rs1582764765, ClinGen allele CA915944254.

ClinVar aggregate classification (germline): Pathogenic (1 of 4 stars; one submission).

Submission:

GeneDx
Classification: Pathogenic. Last evaluated: 2022-07-22. Review status: criteria provided, single submitter. Criteria: GeneDx Variant Classification Process June 2021. Collection method: clinical testing. Allele origin: germline. Affected: yes.
Comment: Nonsense variant predicted to result in protein truncation or nonsense mediated decay in a gene for which loss of function is a known mechanism of disease; Not observed at significant frequency in large population cohorts (gnomAD); Has not been previously published as pathogenic or benign to our knowledge